The following is an entry in ClinVar:

ClinVar aggregate classification (germline): Uncertain significance (1 of 4 stars; one submission).

Conditions:
Cardiovascular phenotype. Identifiers: MedGen CN230736.

Submission:

Ambry Genetics
Classification: Uncertain significance for Cardiovascular phenotype. Last evaluated: 2023-01-19. Review status: criteria provided, single submitter. Criteria: Ambry Variant Classification Scheme 2023. Collection method: clinical testing. Allele origin: germline.
Comment: The p.S1604T variant (also known as c.4810T>A), located in coding exon 23 of the DSP gene, results from a T to A substitution at nucleotide position 4810. The serine at codon 1604 is replaced by threonine, an amino acid with similar properties. This amino acid position is conserved. In addition, this alteration is predicted to be tolerated by in silico analysis. Since supporting evidence is limited at this time, the clinical significance of this alteration remains unclear.

NM_004415.4(DSP):c.4810T>A (p.Ser1604Thr)

Gene: DSP (desmoplakin; plus strand). Cytogenetic location: 6p24.3.
Variant type: single nucleotide variant.
Coding change: c.4810T>A on transcript NM_004415.4 (MANE Select); coding-DNA position 4810, T replaced by A.
Protein change: p.Ser1604Thr; replaces serine 1604 with threonine.
Molecular consequence: missense variant. On other transcripts: intron variant (2).
Genome position (GRCh38, 1-based): chr6:7,581,000, T>A. VCF-style: chr6-7581000-T-A. GRCh37 (hg19) VCF-style: chr6-7581233-T-A.
Other names: c.4050+760T>A (NM_001319034.2); c.3582+1228T>A (NM_001008844.3); short protein forms S1604T.
Identifiers: ClinVar variation 3224238 (VCV003224238.1), dbSNP rs2533930430, ClinGen allele CA362687205.